The following is an entry in ClinVar:

ClinVar aggregate classification (germline): Likely benign (1 of 4 stars; one submission).

Submission:

Women's Health and Genetics/Laboratory Corporation of America, LabCorp
Classification: Likely benign. Last evaluated: 2026-04-07. Review status: criteria provided, single submitter. Criteria: LabCorp Variant Classification Summary - May 2015. Collection method: clinical testing. Allele origin: germline.
Comment: Variant summary: SLC12A6 c.317-16_317-15insATA alters a nucleotide located at a position not widely known to affect splicing. Consensus agreement among computation tools predict no significant impact on normal splicing. However, these predictions have yet to be confirmed by functional studies. The variant was absent in 250008 control chromosomes. The available data on variant occurrences in the general population are insufficient to allow any conclusion about variant significance. To our knowledge, no occurrence of c.317-16_317-15insATA in individuals affected with SLC12A6-related conditions and no experimental evidence demonstrating its impact on protein function have been reported. No submitters have cited clinical-significance assessments for this variant to ClinVar. Based on the evidence outlined above, the variant was classified as likely benign.

NM_001365088.1(SLC12A6):c.317-16_317-15insTAA

Gene: SLC12A6 (solute carrier family 12 member 6; minus strand). Cytogenetic location: 15q14.
Variant type: Insertion.
Coding change: c.317-16_317-15insTAA on transcript NM_001365088.1 (MANE Select); 16 bases into the intron before coding-DNA position 317 through 15 bases into the intron before coding-DNA position 317, TAA inserted.
Molecular consequence: intron variant.
Genome position: GRCh38 VCF-style: chr15-34261035-G-GTAT. GRCh37 (hg19) VCF-style: chr15-34553236-G-GTAT.
Other names: c.140-16_140-15insTAA (NM_001042495.2, NM_001042494.2); c.290-16_290-15insTAA (NM_001042496.2); c.272-16_272-15insTAA (NM_001042497.2); c.317-16_317-15insTAA (NM_133647.2); c.164-16_164-15insTAA (NM_005135.2); c.317-16_317-15insATA (NM_133647.2).
Identifiers: ClinVar variation 4848807 (VCV004848807.1).
Genomic context (GRCh38, chr15:34,261,035, plus strand): 5'-TTGGAATTATTGAGATAAGCATTTCGAGCTTTCTTATGTCCGTCGTCTGGAAAAAAAAAA[G>GTAT]TAGACCAAGTTAGTTTCTCACTGGTTTCTGACGAAGAAACATCAGCACCAGATAAGTGCA-3'